The following is an entry in ClinVar:

NM_001031710.3(KLHL7):c.679G>A (p.Val227Ile)

Gene: KLHL7 (kelch like family member 7; plus strand). Cytogenetic location: 7p15.3.
Variant type: single nucleotide variant.
Coding change: c.679G>A on transcript NM_001031710.3 (MANE Select); coding-DNA position 679, G replaced by A.
Protein change: p.Val227Ile; replaces valine 227 with isoleucine.
Molecular consequence: missense variant. On other transcripts: non-coding transcript variant (1).
Genome position (GRCh38, 1-based): chr7:23,143,911, G>A. VCF-style: chr7-23143911-G-A. GRCh37 (hg19) VCF-style: chr7-23183530-G-A.
Other names: c.535G>A, p.Val179Ile (NM_018846.5); short protein forms V179I, V227I.
Identifiers: ClinVar variation 3679138 (VCV003679138.2).
Genomic context (GRCh38, chr7:23,143,911, plus strand): 5'-GTTTATGATGCTGCAGTCAGGTGGTTGAAATACGATGAACCTAATCGCCAGCCATTTATG[G>A]TTGATATCCTTGCTAAAGTCAGGTTTCCTCTTATATCAAAGAATTTCTTAAGTAAAACGG-3'
Protein context (NP_001026880.2, residues 217-237): YDEPNRQPFM[Val227Ile]DILAKVRFPL

ClinVar aggregate classification (germline): Uncertain significance (1 of 4 stars; one submission).

Submission:

Labcorp Genetics (formerly Invitae), Labcorp
Classification: Uncertain significance. Last evaluated: 2025-04-13. Review status: criteria provided, single submitter. Criteria: Invitae Variant Classification Sherloc (09022015). Collection method: clinical testing. Allele origin: germline.
Comment: This sequence change replaces valine, which is neutral and non-polar, with isoleucine, which is neutral and non-polar, at codon 227 of the KLHL7 protein (p.Val227Ile). This variant is not present in population databases (gnomAD no frequency). This variant has not been reported in the literature in individuals affected with KLHL7-related conditions. ClinVar contains an entry for this variant (Variation ID: 3679138). An algorithm developed to predict the effect of missense changes on protein structure and function (PolyPhen-2) suggests that this variant is likely to be disruptive. In summary, the available evidence is currently insufficient to determine the role of this variant in disease. Therefore, it has been classified as a Variant of Uncertain Significance.